The following is an entry in ClinVar:

NM_015278.5(SASH1):c.2482C>T (p.Pro828Ser)

Gene: SASH1 (SAM and SH3 domain containing 1; plus strand). Cytogenetic location: 6q25.1.
Variant type: single nucleotide variant.
Coding change: c.2482C>T on transcript NM_015278.5 (MANE Select); coding-DNA position 2482, C replaced by T.
Protein change: p.Pro828Ser; replaces proline 828 with serine.
Molecular consequence: missense variant.
Genome position (GRCh38, 1-based): chr6:148,543,952, C>T. VCF-style: chr6-148543952-C-T. GRCh37 (hg19) VCF-style: chr6-148865088-C-T.
Other names: c.2347C>T, p.Pro783Ser (NM_001346505.2); c.2110C>T, p.Pro704Ser (NM_001346506.2); c.1765C>T, p.Pro589Ser (NM_001346507.2); c.2254C>T, p.Pro752Ser (NM_001346508.2); c.2131C>T, p.Pro711Ser (NM_001346509.2); short protein forms P589S, P704S, P711S, P752S, P783S, P828S.
Identifiers: ClinVar variation 3041898 (VCV003041898.3), dbSNP rs147972493, ClinGen allele CA4040606.
Genomic context (GRCh38, chr6:148,543,952, plus strand): 5'-AATAAAAACCGAAGAAGCCTCCCAGTTTCCATCTGCCGGAGCTGTGAGACCCTGGAGGGC[C>T]CCCAGACTGTGGACACTTGGCCCCGATCCCATTCCCTGGATGACCTTCAAGTGGAGCCTG-3'
Protein context (NP_056093.3, residues 818-838): ICRSCETLEG[Pro828Ser]QTVDTWPRSH

ClinVar aggregate classification (germline): Likely benign. Review status: criteria provided, single submitter (1 of 4 stars). 2 submissions from 2 submitters: Likely benign (1). 1 of the submissions does not count toward it. Last evaluated 2024-11-26.

Conditions:
SASH1-related disorder. Also called: SASH1-related condition.

Allele frequency attached by ClinVar (database versions not stated): ESP Exome Variant Server 0.00069; gnomAD 0.00072; TOPMed 0.00080; ExAC 0.00115; gnomAD exomes 0.00151.
gnomAD v4.1: 2,315 of 1,614,150 alleles (0.14%); highest among the groups gnomAD compares: South Asian, 0.38%; 3 homozygotes.

Submissions (2):

Blueprint Genetics
Classification: Likely benign. Last evaluated: 2024-11-26. Review status: criteria provided, single submitter. Criteria: ACMG Guidelines, 2015. Collection method: clinical testing. Allele origin: germline.

PreventionGenetics, part of Exact Sciences
Classification: Likely benign for SASH1-related condition. Last evaluated: 2023-05-31. Review status: no assertion criteria provided. Collection method: clinical testing. Allele origin: germline. Not counted in ClinVar's aggregate classification.
Comment: This variant is classified as likely benign based on ACMG/AMP sequence variant interpretation guidelines (Richards et al. 2015 PMID: 25741868, with internal and published modifications).